The following is an entry in ClinVar:

ClinVar aggregate classification (germline): Uncertain significance (1 of 4 stars; one submission).

Conditions:
X-linked scapuloperoneal muscular dystrophy. Also called: SCAPULOPERONEAL MYOPATHY, FHL1-RELATED. Identifiers: Orphanet 431272, MedGen C2678061, MONDO:0010400, OMIM 300695.
Myopathy, reducing body, X-linked, childhood-onset (RBMX1B). Also called: REDUCING BODY MYOPATHY, X-LINKED 1B, WITH LATE CHILDHOOD OR ADULT ONSET. Identifiers: Orphanet 97239, MedGen C4225159, MONDO:0010415, OMIM 300718.
Myopathy, reducing body, X-linked, early-onset, severe (RBMX1A). Also called: REDUCING BODY MYOPATHY, X-LINKED 1, SEVERE, WITH INFANTILE OR EARLY CHILDHOOD ONSET. Identifiers: Orphanet 97239, MedGen C4225423, MONDO:0010414, OMIM 300717.
X-linked myopathy with postural muscle atrophy. Also called: FHL1-Related Emery-Dreifuss Muscular Dystrophy, X-Linked. Identifiers: Orphanet 178461, MedGen C2678055, MONDO:0010401, OMIM 300696.
Uruguay Faciocardiomusculoskeletal syndrome. Identifiers: MedGen C1846010, MONDO:0010292, OMIM 300280.

Submission:

Kariminejad - Najmabadi Pathology & Genetics Center
Classification: Uncertain significance for Uruguay Faciocardiomusculoskeletal syndrome; X-linked myopathy with postural muscle atrophy; Myopathy, reducing body, X-linked, early-onset, severe; Myopathy, reducing body, X-linked, childhood-onset; X-linked scapuloperoneal muscular dystrophy. Last evaluated: 2022-06-06. Review status: criteria provided, single submitter. Criteria: ACMG Guidelines, 2015. Collection method: clinical testing. Allele origin: germline. Inheritance: X-linked inheritance. Affected: yes.
Comment: PM2 ,PM4, PP3

NM_001159699.2(FHL1):c.483GGA[1] (p.Glu162del)

Gene: FHL1 (four and a half LIM domains 1; plus strand). Cytogenetic location: Xq26.3.
Variant type: Microsatellite.
Coding change: c.483GGA[1] on transcript NM_001159699.2 (MANE Select); one copy of the 3-base unit GGA starting at c.483; the reference has two copies in a row; one copy, 3 bases deleted.
Protein change: p.Glu162del; deletes glutamic acid 162.
Molecular consequence: non-coding transcript variant (on NR_027621.2).
Genome position (GRCh38, 1-based): chrX:136,207,898-136,207,900, GGA deleted; deleting any 3 consecutive bases within chrX:136,207,895-136,207,900 gives the same sequence; the position shown is the placement nearest the transcript's 3' end. VCF-style (leftmost placement, unchanged base first): chrX-136207894-GGGA-G. GRCh37 (hg19) VCF-style: chrX-135290053-GGGA-G.
Other names: c.438_440del (NM_001449.5); c.435GGA[1], p.Glu146del (NM_001159700.2, NM_001159702.3, NM_001159703.2 and 9 more transcripts); c.522GGA[1], p.Glu175del (NM_001159701.2); c.483GGA[1], p.Glu162del (NM_001330659.2); short protein forms E146del, E162del, E175del.
Identifiers: ClinVar variation 3896867 (VCV003896867.1).
Genomic context (GRCh38, chrX:136,207,894, plus strand): 5'-ACTGCTTCACCTGTAGTAACTGCAAGCAAGTCATCGGGACTGGAAGCTTCTTCCCTAAAG[GGGA>G]GGACTTCTACTGCGTGACTTGCCATGAGACCAAGTTTGCCAAGCATTGCGTGAAGTGCAA-3'